The following is an entry in ClinVar:

NM_000400.4(ERCC2):c.1307+1G>A

Gene: ERCC2 (ERCC excision repair 2, TFIIH core complex helicase subunit; minus strand). Cytogenetic location: 19q13.32.
Variant type: single nucleotide variant.
Coding change: c.1307+1G>A on transcript NM_000400.4 (MANE Select); the canonical splice donor site of the intron after coding-DNA position 1307, G replaced by A.
Molecular consequence: splice donor variant.
Genome position (GRCh38, 1-based): chr19:45,357,629, C>T on the plus strand (G>A on the coding strand, the complement: ERCC2 is on the minus strand). VCF-style: chr19-45357629-C-T. GRCh37 (hg19) VCF-style: chr19-45860887-C-T.
Identifiers: ClinVar variation 2675029 (VCV002675029.3), dbSNP rs2123252188, ClinGen allele CA406367871.

ClinVar aggregate classification (germline): Likely pathogenic. Review status: criteria provided, multiple submitters, no conflicts (2 of 4 stars). 2 submissions from 2 submitters: Likely pathogenic (2). Last evaluated 2023-10-25.

Conditions:
Cerebrooculofacioskeletal syndrome 2 (COFS2). Identifiers: MedGen C1853102, MONDO:0012553, OMIM 610756.
Xeroderma pigmentosum, group D (XPD). Also called: XERODERMA PIGMENTOSUM, COMPLEMENTATION GROUP D; XERODERMA PIGMENTOSUM IV; XP, GROUP D; XP, GROUP H; ERCC2-Related Xeroderma Pigmentosum. Identifiers: MedGen C0268138, MONDO:0010212, OMIM 278730.
Trichothiodystrophy 1, photosensitive (TTD1). Also called: PIBIDS SYNDROME; TAY SYNDROME; TRICHOTHIODYSTROPHY WITH CONGENITAL ICHTHYOSIS. Identifiers: Orphanet 33364, MedGen C1866504, MONDO:0011125, OMIM 601675.

Submissions (2):

Baylor Genetics
Classification: Likely pathogenic for Cerebrooculofacioskeletal syndrome 2. Last evaluated: 2023-10-25. Review status: criteria provided, single submitter. Criteria: ACMG Guidelines, 2015. Collection method: clinical testing. Allele origin: unknown.

Juno Genomics, Hangzhou Juno Genomics, Inc
Classification: Likely pathogenic for Xeroderma pigmentosum, group D; Cerebrooculofacioskeletal syndrome 2; Trichothiodystrophy 1, photosensitive. Review status: criteria provided, single submitter. Criteria: ACMG Guidelines, 2015. Collection method: clinical testing. Allele origin: germline.
Comment: Null variant in a gene where loss of function (LOF) is a known mechanism of disease.;Absent from controls (or at extremely low frequency if recessive) in Genome Aggregation Database.